The following is an entry in ClinVar:

NM_006947.4(SRP72):c.1184T>C (p.Ile395Thr)

Gene: SRP72 (signal recognition particle 72; plus strand). Cytogenetic location: 4q12.
Variant type: single nucleotide variant.
Coding change: c.1184T>C on transcript NM_006947.4 (MANE Select); coding-DNA position 1184, T replaced by C.
Protein change: p.Ile395Thr; replaces isoleucine 395 with threonine.
Molecular consequence: missense variant. On other transcripts: non-coding transcript variant (1).
Genome position (GRCh38, 1-based): chr4:56,487,973, T>C. VCF-style: chr4-56487973-T-C. GRCh37 (hg19) VCF-style: chr4-57354139-T-C.
Other names: c.1001T>C, p.Ile334Thr (NM_001267722.2); short protein forms I334T, I395T.
Identifiers: ClinVar variation 3801462 (VCV003801462.1).

ClinVar aggregate classification (germline): Uncertain significance (1 of 4 stars; one submission).

Submission:

Ambry Genetics
Classification: Uncertain significance. Last evaluated: 2025-01-25. Review status: criteria provided, single submitter. Criteria: Ambry Variant Classification Scheme 2023. Collection method: clinical testing. Allele origin: germline.
Comment: The p.I395T variant (also known as c.1184T>C), located in coding exon 12 of the SRP72 gene, results from a T to C substitution at nucleotide position 1184. The isoleucine at codon 395 is replaced by threonine, an amino acid with similar properties. This amino acid position is conserved. In addition, this alteration is predicted to be tolerated by in silico analysis. Based on the available evidence, the clinical significance of this variant remains unclear.